The following is an entry in ClinVar:

ClinVar aggregate classification (germline): Uncertain significance (1 of 4 stars; one submission).

Conditions:
Malignant hyperthermia, susceptibility to, 5 (MHS5). Also called: CACNA1S-Related Malignant Hyperthermia Susceptibility. Identifiers: Orphanet 423, MedGen C1866077, MONDO:0011163, OMIM 601887.

gnomAD v4.1: 1 of 1,613,972 alleles (0.000062%); highest among the groups gnomAD compares: Non-Finnish European, 0.000085%; no homozygotes.

Submission:

All of Us Research Program, National Institutes of Health
Classification: Uncertain significance for Malignant hyperthermia, susceptibility to, 5. Last evaluated: 2024-05-14. Review status: criteria provided, single submitter. Criteria: ACMG Guidelines, 2015. Collection method: clinical testing. Allele origin: germline. Inheritance: Autosomal dominant inheritance. Observed: 1 variant allele, 1 heterozygote.
Comment: This missense variant replaces arginine with serine at codon 26 of the CACNA1S protein. Computational prediction suggests that this variant may not impact protein structure and function (internally defined REVEL score threshold <= 0.5, PMID: 27666373). To our knowledge, functional studies have not been reported for this variant. This variant has not been reported in individuals affected with CACNA1S-related disorders in the literature. This variant has not been identified in the general population by the Genome Aggregation Database (gnomAD). The available evidence is insufficient to determine the role of this variant in disease conclusively. Therefore, this variant is classified as a Variant of Uncertain Significance.

This study involves interpretation of variants in research participants for the purpose of population health screening. Participant phenotype was not available at the time of variant classification. Additional details can be found in publication PMID: 35346344, PMCID: PMC8962531

NM_000069.3(CACNA1S):c.78G>T (p.Arg26Ser)

Gene: CACNA1S (calcium voltage-gated channel subunit alpha1 S; minus strand). Cytogenetic location: 1q32.1.
Variant type: single nucleotide variant.
Coding change: c.78G>T on transcript NM_000069.3 (MANE Select); coding-DNA position 78, G replaced by T.
Protein change: p.Arg26Ser; replaces arginine 26 with serine.
Molecular consequence: missense variant.
Genome position (GRCh38, 1-based): chr1:201,112,262, C>A on the plus strand (G>T on the coding strand, the complement: CACNA1S is on the minus strand). VCF-style: chr1-201112262-C-A. GRCh37 (hg19) VCF-style: chr1-201081390-C-A.
Other names: short protein forms R26S.
Identifiers: ClinVar variation 3386418 (VCV003386418.1).